The following is an entry in ClinVar:

ClinVar aggregate classification (germline): Uncertain significance (1 of 4 stars; one submission).

Submission:

GeneDx
Classification: Uncertain significance. Last evaluated: 2025-05-13. Review status: criteria provided, single submitter. Criteria: GeneDx Variant Classification Process June 2021. Collection method: clinical testing. Allele origin: germline. Affected: yes.
Comment: Not observed at significant frequency in large population cohorts (gnomAD); In silico analysis supports that this missense variant has a deleterious effect on protein structure/function; Has not been previously published as pathogenic or benign to our knowledge

NM_003072.5(SMARCA4):c.1668G>C (p.Gln556His)

Gene: SMARCA4 (SWI/SNF related BAF chromatin remodeling complex subunit ATPase 4; plus strand). Cytogenetic location: 19p13.2.
Variant type: single nucleotide variant.
Coding change: c.1668G>C on transcript NM_003072.5 (MANE Select); coding-DNA position 1668, G replaced by C.
Protein change: p.Gln556His; replaces glutamine 556 with histidine.
Molecular consequence: missense variant. On other transcripts: non-coding transcript variant (1).
Genome position (GRCh38, 1-based): chr19:10,996,287, G>C. VCF-style: chr19-10996287-G-C. GRCh37 (hg19) VCF-style: chr19-11106963-G-C.
Other names: c.1668G>C, p.Gln556His (NM_001128844.3, NM_001128845.2, NM_001128846.2 and 6 more transcripts); short protein forms Q556H.
Identifiers: ClinVar variation 4529850 (VCV004529850.1).